The following is an entry in ClinVar:

ClinVar aggregate classification (germline): Uncertain significance (1 of 4 stars; one submission).

Conditions:
Arrhythmogenic cardiomyopathy with wooly hair and keratoderma. Also called: Carvajal syndrome; PALMOPLANTAR KERATODERMA WITH LEFT VENTRICULAR CARDIOMYOPATHY AND WOOLLY HAIR; Dilated cardiomyopathy with woolly hair and keratoderma; Arrhythmogenic cardiomyopathy with woolly hair and keratoderma. Identifiers: Orphanet 65282, MedGen C1854063, MONDO:0011581, OMIM 605676.

Submission:

All of Us Research Program, National Institutes of Health
Classification: Uncertain significance for Arrhythmogenic cardiomyopathy with wooly hair and keratoderma. Last evaluated: 2024-08-06. Review status: criteria provided, single submitter. Criteria: ACMG Guidelines, 2015. Collection method: clinical testing. Allele origin: germline. Inheritance: Autosomal dominant inheritance. Observed: 1 variant allele, 1 heterozygote.
Comment: This study involves interpretation of variants in research participants for the purpose of population health screening. Participant phenotype was not available at the time of variant classification. Additional details can be found in publication PMID: 35346344, PMCID: PMC8962531

NM_004415.4(DSP):c.6299T>C (p.Phe2100Ser)

Gene: DSP (desmoplakin; plus strand). Cytogenetic location: 6p24.3.
Variant type: single nucleotide variant.
Coding change: c.6299T>C on transcript NM_004415.4 (MANE Select); coding-DNA position 6299, T replaced by C.
Protein change: p.Phe2100Ser; replaces phenylalanine 2100 with serine.
Molecular consequence: missense variant.
Genome position (GRCh38, 1-based): chr6:7,583,561, T>C. VCF-style: chr6-7583561-T-C. GRCh37 (hg19) VCF-style: chr6-7583794-T-C.
Other names: c.4502T>C, p.Phe1501Ser (NM_001008844.3); c.4970T>C, p.Phe1657Ser (NM_001319034.2); short protein forms F1501S, F1657S, F2100S.
Identifiers: ClinVar variation 3386702 (VCV003386702.1).
Genomic context (GRCh38, chr6:7,583,561, plus strand): 5'-TCGATGACCGTCAGCAGATATATGCAGCAGAAAAAGCTATCACTGGTTTTGATGATCCAT[T>C]TTCAGGCAAGACAGTATCTGTTTCAGAAGCCATCAAGAAAAATTTGATTGATAGAGAAAC-3'
Protein context (NP_004406.2, residues 2090-2110): EKAITGFDDP[Phe2100Ser]SGKTVSVSEA